The following is an entry in ClinVar:

NM_006031.6(PCNT):c.2497G>A (p.Ala833Thr)

Gene: PCNT (pericentrin; plus strand). Cytogenetic location: 21q22.3.
Variant type: single nucleotide variant.
Coding change: c.2497G>A on transcript NM_006031.6 (MANE Select); coding-DNA position 2497, G replaced by A.
Protein change: p.Ala833Thr; replaces alanine 833 with threonine.
Molecular consequence: missense variant.
Genome position (GRCh38, 1-based): chr21:46,363,822, G>A. VCF-style: chr21-46363822-G-A. GRCh37 (hg19) VCF-style: chr21-47783737-G-A.
Other names: c.2143G>A, p.Ala715Thr (NM_001315529.2); short protein forms A833T, A715T.
Identifiers: ClinVar variation 4133319 (VCV004133319.2).
Genomic context (GRCh38, chr21:46,363,822, plus strand): 5'-TCCTTGACGGAGCAGCAGGGCCGCCTGCAGCAGCTGGAACAGGACCTCACTTCAGACGAC[G>A]CCCTGCATTGCAGCCAGTGTGGGCGGGAGCCGCCCACAGCCCAGGACGGGGAGCTTGCTG-3'
Protein context (NP_006022.3, residues 823-843): QLEQDLTSDD[Ala833Thr]LHCSQCGREP

ClinVar aggregate classification (germline): Uncertain significance. Review status: criteria provided, multiple submitters, no conflicts (2 of 4 stars). 2 submissions from 2 submitters: Uncertain significance (2). Last evaluated 2026-08-11.

Conditions:
PCNT-related disorder. Also called: PCNT-related condition.
Inborn genetic diseases. Identifiers: MedGen C0950123, MeSH D030342.

gnomAD v4.1: 33 of 1,612,360 alleles (0.002%); highest among the groups gnomAD compares: East Asian, 0.0067%; no homozygotes.

Submissions (2):

PreventionGenetics, part of Exact Sciences
Classification: Uncertain significance for PCNT-related condition. Last evaluated: 2026-08-11. Review status: criteria provided, single submitter. Criteria: ACMG Guidelines, 2015. Collection method: clinical testing. Allele origin: germline.
Comment: The PCNT c.2497G>A variant is predicted to result in the amino acid substitution p.Ala833Thr. To our knowledge, this variant has not been reported in the literature. This variant is reported in 0.015% of alleles in individuals of Latino descent in gnomAD. At this time, the clinical significance of this variant is uncertain due to the absence of conclusive functional and genetic evidence.

Ambry Genetics
Classification: Uncertain significance for Inborn genetic diseases. Last evaluated: 2025-08-01. Review status: criteria provided, single submitter. Criteria: Ambry Variant Classification Scheme 2023. Collection method: clinical testing. Allele origin: germline.